The following is an entry in ClinVar:

NM_000540.3(RYR1):c.8943C>G (p.Val2981=)

Gene: RYR1 (ryanodine receptor 1; plus strand). Cytogenetic location: 19q13.2.
Variant type: single nucleotide variant.
Coding change: c.8943C>G on transcript NM_000540.3 (MANE Select); coding-DNA position 8943, C replaced by G.
Protein change: p.Val2981=; no amino-acid change (valine 2981 retained).
Molecular consequence: synonymous variant.
Genome position (GRCh38, 1-based): chr19:38,510,508, C>G. VCF-style: chr19-38510508-C-G. GRCh37 (hg19) VCF-style: chr19-39001148-C-G.
Other names: c.8943C>G, p.Val2981= (NM_001042723.2).
Identifiers: ClinVar variation 2187041 (VCV002187041.5), dbSNP rs2514393633, ClinGen allele CA507246161.
Genomic context (GRCh38, chr19:38,510,508, plus strand): 5'-GGGTTCCCCAGCCTTGAACCCACTGTGAACCCTATTTGCCCTCCCTACAGAGGCTGTGGT[C>G]AGCAGTGGGCGAGTGGAAAAGTCCCCACATGAACAGGAGATTAAATTCTTTGCCAAGGTG-3'
Protein context (NP_000531.2, residues 2971-2991): QEFIAHLEAV[Val2981=]SSGRVEKSPH

ClinVar aggregate classification (germline): Likely benign. Review status: criteria provided, multiple submitters, no conflicts (2 of 4 stars). 2 submissions from 2 submitters: Likely benign (2). Last evaluated 2023-11-02.

Conditions:
RYR1-related disorder. Also called: RYR1-related disorders; RYR1-related condition. Identifiers: MedGen CN239331.
Malignant hyperthermia, susceptibility to, 1 (MHS1). Also called: RYR1-Related Malignant Hyperthermia Susceptibility; Malignant hyperthermia suceptibility 1; Anesthesia related hyperthermia; Malignant hyperpyrexia; Fulminating hyperpyrexia; Pharmacogenic myopathy. Identifiers: Orphanet 423, MedGen C2930980, MONDO:0007783, OMIM 145600.

Submissions (2):

All of Us Research Program, National Institutes of Health
Classification: Likely benign for Malignant hyperthermia, susceptibility to, 1. Last evaluated: 2023-11-02. Review status: criteria provided, single submitter. Criteria: ACMG Guidelines, 2015. Collection method: clinical testing. Allele origin: germline. Inheritance: Autosomal dominant inheritance. Observed: 1 variant allele, 1 heterozygote.
Comment: This study involves interpretation of variants in research participants for the purpose of population health screening. Participant phenotype was not available at the time of variant classification. Additional details can be found in publication PMID: 35346344, PMCID: PMC8962531

Labcorp Genetics (formerly Invitae), Labcorp
Classification: Likely benign for RYR1-related disorder. Last evaluated: 2022-10-19. Review status: criteria provided, single submitter. Criteria: Invitae Variant Classification Sherloc (09022015). Collection method: clinical testing. Allele origin: germline.